The following is an entry in ClinVar:

NM_172107.4(KCNQ2):c.572T>C (p.Val191Ala)

Gene: KCNQ2 (potassium voltage-gated channel subfamily Q member 2; minus strand). Cytogenetic location: 20q13.33.
Variant type: single nucleotide variant.
Coding change: c.572T>C on transcript NM_172107.4 (MANE Select); coding-DNA position 572, T replaced by C.
Protein change: p.Val191Ala; replaces valine 191 with alanine.
Molecular consequence: missense variant.
Genome position (GRCh38, 1-based): chr20:63,444,777, A>G on the plus strand (T>C on the coding strand, the complement: KCNQ2 is on the minus strand). VCF-style: chr20-63444777-A-G. GRCh37 (hg19) VCF-style: chr20-62076130-A-G.
Other names: c.572T>C, p.Val191Ala (NM_001382235.1, NM_004518.6, NM_172106.3 and 2 more transcripts); short protein forms V191A.
Identifiers: ClinVar variation 3637737 (VCV003637737.2).

ClinVar aggregate classification (germline): Pathogenic (1 of 4 stars; one submission).

Conditions:
Early-infantile DEE. Also called: Early infantile epileptic encephalopathy; Ohtahara syndrome; Early infantile epileptic encephalopathy with suppression bursts. Identifiers: Orphanet 1934, MedGen C0393706, MONDO:0800491.

Submission:

Labcorp Genetics (formerly Invitae), Labcorp
Classification: Pathogenic for Early-infantile DEE. Last evaluated: 2024-12-29. Review status: criteria provided, single submitter. Criteria: Invitae Variant Classification Sherloc (09022015). Collection method: clinical testing. Allele origin: germline.
Comment: This sequence change replaces valine, which is neutral and non-polar, with alanine, which is neutral and non-polar, at codon 191 of the KCNQ2 protein (p.Val191Ala). This variant is not present in population databases (gnomAD no frequency). This missense change has been observed in individual(s) with clinical features of developmental and epileptic encephalopathy (internal data). In at least one individual the variant was observed to be de novo. Invitae Evidence Modeling of protein sequence and biophysical properties (such as structural, functional, and spatial information, amino acid conservation, physicochemical variation, residue mobility, and thermodynamic stability) indicates that this missense variant is expected to disrupt KCNQ2 protein function with a positive predictive value of 95%. For these reasons, this variant has been classified as Pathogenic.